The following is an entry in ClinVar:

ClinVar aggregate classification (germline): Pathogenic. Review status: reviewed by expert panel (3 of 4 stars). 10 submissions from 10 submitters: Pathogenic (1). 9 of the submissions do not count toward it. Last evaluated 2016-10-18.

Conditions:
Familial cancer of breast. Also called: Hereditary breast cancer; BREAST CANCER, FAMILIAL; hereditary breast carcinoma. Identifiers: Orphanet 227535, MedGen C0346153, MONDO:0016419, OMIM 114480. Disease mechanism: loss of function.
Hereditary breast ovarian cancer syndrome. Also called: Hereditary breast and ovarian cancer; Hereditary breast and ovarian cancer syndrome (HBOC); Hereditary breast and/or ovarian cancer syndrome; Breast and ovarian cancer; Hereditary breast and ovarian cancer syndrome; BRCA1- and BRCA2-Associated Hereditary Breast and Ovarian Cancer. Identifiers: Orphanet 145, MedGen C0677776, MeSH D061325, MONDO:0003582. Disease mechanism: loss of function.
Hereditary cancer-predisposing syndrome. Also called: Tumor predisposition; Neoplastic Syndromes, Hereditary; Hereditary neoplastic syndrome; Hereditary Cancer Syndrome. Identifiers: Orphanet 140162, MedGen C0027672, MeSH D009386, MONDO:0015356.
Breast-ovarian cancer, familial, susceptibility to, 2 (BROVCA2). Also called: BRCA2 Hereditary Breast and Ovarian Cancer. Identifiers: Orphanet 145, MedGen C2675520, MONDO:0012933, OMIM 612555. Disease mechanism: loss of function.

Submissions (10):

Evidence-based Network for the Interpretation of Germline Mutant Alleles (ENIGMA)
Classification: Pathogenic for Breast-ovarian cancer, familial, susceptibility to, 2. Last evaluated: 2016-10-18. Review status: reviewed by expert panel. Criteria: ENIGMA BRCA1/2 Classification Criteria (2015). Collection method: curation. Allele origin: germline.
Comment: Variant allele predicted to encode a truncated non-functional protein.

Quest Diagnostics Nichols Institute San Juan Capistrano
Classification: Likely pathogenic. Last evaluated: 2025-09-16. Review status: criteria provided, single submitter. Criteria: Quest Diagnostics criteria. Collection method: clinical testing. Allele origin: unknown. Not counted in ClinVar's aggregate classification.
Comment: The BRCA2 c.4366G>T (p.Glu1456*) variant is predicted to cause the premature termination of BRCA2 protein synthesis. In the published literature, this variant has been reported in a screening study of families with BRCA1/BRCA2 pathogenic variants (PMID: 29446198 (2018)). This variant has not been reported in large, multi-ethnic general populations (Genome Aggregation Database). Based on the available information, this variant is classified as likely pathogenic.

Ambry Genetics
Classification: Pathogenic for Hereditary cancer-predisposing syndrome. Last evaluated: 2025-06-13. Review status: criteria provided, single submitter. Criteria: Ambry Variant Classification Scheme 2023. Collection method: clinical testing. Allele origin: germline. Not counted in ClinVar's aggregate classification.
Comment: The p.E1456* pathogenic mutation (also known as c.4366G>T), located in coding exon 10 of the BRCA2 gene, results from a G to T substitution at nucleotide position 4366. This changes the amino acid from a glutamic acid to a stop codon within coding exon 10. This alteration was identified in a large, worldwide study of BRCA1/2 mutation positive families (Rebbeck TR et al. Hum Mutat. 2018 May;39(5):593-620). This variant is considered to be rare based on population cohorts in the Genome Aggregation Database (gnomAD). This alteration is expected to result in loss of function by premature protein truncation or nonsense-mediated mRNA decay. As such, this alteration is interpreted as a disease-causing mutation.

Color Diagnostics, LLC DBA Color Health
Classification: Pathogenic for Hereditary cancer-predisposing syndrome. Last evaluated: 2025-02-10. Review status: criteria provided, single submitter. Criteria: ACMG Guidelines, 2015. Collection method: clinical testing. Allele origin: germline. Not counted in ClinVar's aggregate classification.
Comment: This variant changes 1 nucleotide in exon 11 of the BRCA2 gene, creating a premature translation stop signal. This variant is expected to result in an absent or non-functional protein product. This variant has been reported in a suspected hereditary breast and ovarian cancer family (PMID: 29446198) and in an individual affected with ovarian cancer (PMID: 32856862). This variant has not been identified in the general population by the Genome Aggregation Database (gnomAD). Loss of BRCA2 function is a known mechanism of disease. Based on the available evidence, this variant is classified as Pathogenic.

Labcorp Genetics (formerly Invitae), Labcorp
Classification: Pathogenic for Hereditary breast ovarian cancer syndrome. Last evaluated: 2024-11-18. Review status: criteria provided, single submitter. Criteria: Invitae Variant Classification Sherloc (09022015). Collection method: clinical testing. Allele origin: germline. Not counted in ClinVar's aggregate classification.
Comment: This sequence change creates a premature translational stop signal (p.Glu1456*) in the BRCA2 gene. It is expected to result in an absent or disrupted protein product. Loss-of-function variants in BRCA2 are known to be pathogenic (PMID: 20104584). This variant is not present in population databases (gnomAD no frequency). This premature translational stop signal has been observed in individual(s) with personal and/or family history of breast and/or ovarian cancer (PMID: 29446198). ClinVar contains an entry for this variant (Variation ID: 266806). For these reasons, this variant has been classified as Pathogenic.

Revvity Omics, Revvity
Classification: Pathogenic. Last evaluated: 2022-08-24. Review status: criteria provided, single submitter. Criteria: ACMG Guidelines, 2015. Collection method: clinical testing. Allele origin: germline. Not counted in ClinVar's aggregate classification.

Baylor Genetics
Classification: Pathogenic for Familial cancer of breast. Last evaluated: 2021-11-27. Review status: criteria provided, single submitter. Criteria: ACMG Guidelines, 2015. Collection method: clinical testing. Allele origin: unknown. Not counted in ClinVar's aggregate classification.

GeneDx
Classification: Pathogenic. Last evaluated: 2020-08-31. Review status: criteria provided, single submitter. Criteria: GeneDx Variant Classification Process June 2021. Collection method: clinical testing. Allele origin: germline. Affected: yes. Not counted in ClinVar's aggregate classification.
Comment: Nonsense variant predicted to result in protein truncation or nonsense mediated decay in a gene for which loss-of-function is a known mechanism of disease; Not observed in large population cohorts (Lek 2016); Truncating variants in this gene are considered pathogenic by a well-established clinical consortium and/or database; Observed in individuals with a personal and/or family history of BRCA2-related cancers (Rebbeck 2018); Also known as 4594G>T; This variant is associated with the following publications: (PMID: 32856862, 29446198)

Consortium of Investigators of Modifiers of BRCA1/2 (CIMBA), c/o University of Cambridge
Classification: Pathogenic for Breast-ovarian cancer, familial, susceptibility to, 2. Last evaluated: 2015-10-02. Review status: criteria provided, single submitter. Criteria: CIMBA Mutation Classification guidelines May 2016. Collection method: clinical testing. Allele origin: germline. Not counted in ClinVar's aggregate classification.

Research Molecular Genetics Laboratory, Women's College Hospital, University of Toronto
Classification: Pathogenic for Hereditary breast ovarian cancer syndrome. Last evaluated: 2014-01-31. Review status: no assertion criteria provided. Collection method: research. Allele origin: germline. Affected: yes. Study: The Canadian Open Genetics Repository (COGR). Not counted in ClinVar's aggregate classification.

Literature cited by the submitters: PubMed 29446198 (cited by 3 submitters); PubMed 32856862 (cited by Quest Diagnostics Nichols Institute San Juan Capistrano and Color Diagnostics, LLC DBA Color Health); PubMed 20104584 (cited by Labcorp Genetics (formerly Invitae), Labcorp).

NM_000059.4(BRCA2):c.4366G>T (p.Glu1456Ter)

Gene: BRCA2 (BRCA2 DNA repair associated; plus strand). Cytogenetic location: 13q13.1.
Variant type: single nucleotide variant.
Coding change: c.4366G>T on transcript NM_000059.4 (MANE Select); coding-DNA position 4366, G replaced by T.
Protein change: p.Glu1456Ter; replaces glutamic acid 1456 with a stop codon.
Molecular consequence: nonsense.
Genome position (GRCh38, 1-based): chr13:32,338,721, G>T. VCF-style: chr13-32338721-G-T. GRCh37 (hg19) VCF-style: chr13-32912858-G-T.
Other names: 4594G>T (E1456X); short protein forms E1456*.
Identifiers: ClinVar variation 266806 (VCV000266806.26), dbSNP rs876659847, ClinGen allele CA10589254.